The following is an entry in ClinVar:

NM_000748.3(CHRNB2):c.1402T>C (p.Phe468Leu)

Gene: CHRNB2 (cholinergic receptor nicotinic beta 2 subunit; plus strand). Cytogenetic location: 1q21.3.
Variant type: single nucleotide variant.
Coding change: c.1402T>C on transcript NM_000748.3 (MANE Select); coding-DNA position 1402, T replaced by C.
Protein change: p.Phe468Leu; replaces phenylalanine 468 with leucine.
Molecular consequence: missense variant.
Genome position (GRCh38, 1-based): chr1:154,575,825, T>C. VCF-style: chr1-154575825-T-C. GRCh37 (hg19) VCF-style: chr1-154548301-T-C.
Other names: short protein forms F468L.
Identifiers: ClinVar variation 2121401 (VCV002121401.4), dbSNP rs1696261971, ClinGen allele CA342632897.
Genomic context (GRCh38, chr1:154,575,825, plus strand): 5'-AGTGAGGACTGGAAGTACGTCGCCATGGTGATCGACCGCCTCTTCCTCTGGATCTTTGTC[T>C]TTGTCTGTGTCTTTGGCACCATCGGCATGTTCCTGCAGCCTCTCTTCCAGAACTACACCA-3'
Protein context (NP_000739.1, residues 458-478): IDRLFLWIFV[Phe468Leu]VCVFGTIGMF

ClinVar aggregate classification (germline): Uncertain significance (1 of 4 stars; one submission).

Conditions:
Familial sleep-related hypermotor epilepsy. Also called: Autosomal Dominant Sleep-Related Hypermotor (Hyperkinetic) Epilepsy. Identifiers: Orphanet 98784, MedGen C3696898, MONDO:0000030.

Allele frequency attached by ClinVar (database versions not stated): TOPMed below 0.00001.

Submission:

Labcorp Genetics (formerly Invitae), Labcorp
Classification: Uncertain significance. Last evaluated: 2022-08-16. Review status: criteria provided, single submitter. Criteria: Invitae Variant Classification Sherloc (09022015). Collection method: clinical testing. Allele origin: germline.
Comment: In summary, the available evidence is currently insufficient to determine the role of this variant in disease. Therefore, it has been classified as a Variant of Uncertain Significance. Advanced modeling of protein sequence and biophysical properties (such as structural, functional, and spatial information, amino acid conservation, physicochemical variation, residue mobility, and thermodynamic stability) performed at Invitae indicates that this missense variant is not expected to disrupt CHRNB2 protein function. This variant has not been reported in the literature in individuals affected with CHRNB2-related conditions. This variant is not present in population databases (gnomAD no frequency). This sequence change replaces phenylalanine, which is neutral and non-polar, with leucine, which is neutral and non-polar, at codon 468 of the CHRNB2 protein (p.Phe468Leu).